The following is an entry in ClinVar:

NM_000548.5(TSC2):c.3118G>A (p.Ala1040Thr)

Gene: TSC2 (TSC complex subunit 2; plus strand). Cytogenetic location: 16p13.3.
Variant type: single nucleotide variant.
Coding change: c.3118G>A on transcript NM_000548.5 (MANE Select); coding-DNA position 3118, G replaced by A.
Protein change: p.Ala1040Thr; replaces alanine 1040 with threonine.
Molecular consequence: missense variant. On other transcripts: non-coding transcript variant (5).
Genome position (GRCh38, 1-based): chr16:2,079,183, G>A. VCF-style: chr16-2079183-G-A. GRCh37 (hg19) VCF-style: chr16-2129184-G-A.
Other names: c.2989G>A, p.Ala997Thr (NM_001370405.1, NM_001363528.2, NM_021055.3); c.3115G>A, p.Ala1039Thr (NM_001406663.1, NM_001406664.1); c.2986G>A, p.Ala996Thr (NM_001406665.1, NM_001077183.3, NM_001370404.1); c.3079G>A, p.Ala1027Thr (NM_001406667.1); c.3076G>A, p.Ala1026Thr (NM_001406668.1); c.3007G>A, p.Ala1003Thr (NM_001406670.1); c.2977G>A, p.Ala993Thr (NM_001406671.1); c.2974G>A, p.Ala992Thr (NM_001406673.1); and 18 more; short protein forms A1003T, A1007T, A1026T, A1027T, A1039T, A1040T, A462T, A548T.
Identifiers: ClinVar variation 3603917 (VCV003603917.3).

ClinVar aggregate classification (germline): Uncertain significance. Review status: criteria provided, multiple submitters, no conflicts (2 of 4 stars). 2 submissions from 2 submitters: Uncertain significance (2). Last evaluated 2026-07-06.

Conditions:
Tuberous sclerosis 2 (TSC2). Identifiers: Orphanet 805, MedGen C1860707, MONDO:0013199, OMIM 613254.
Hereditary cancer-predisposing syndrome. Also called: Hereditary neoplastic syndrome; Neoplastic Syndromes, Hereditary; Tumor predisposition; Hereditary Cancer Syndrome. Identifiers: Orphanet 140162, MedGen C0027672, MeSH D009386, MONDO:0015356.

Submissions (2):

Ambry Genetics
Classification: Uncertain significance for Hereditary cancer-predisposing syndrome. Last evaluated: 2026-07-06. Review status: criteria provided, single submitter. Criteria: Ambry Variant Classification Scheme 2023. Collection method: clinical testing. Allele origin: germline.
Comment: The p.A1040T variant (also known as c.3118G>A), located in coding exon 26 of the TSC2 gene, results from a G to A substitution at nucleotide position 3118. The alanine at codon 1040 is replaced by threonine, an amino acid with similar properties. This amino acid position is conserved. In addition, the in silico prediction for this alteration is inconclusive. Based on the available evidence, the clinical significance of this variant remains unclear.

Labcorp Genetics (formerly Invitae), Labcorp
Classification: Uncertain significance for Tuberous sclerosis 2. Last evaluated: 2024-08-12. Review status: criteria provided, single submitter. Criteria: Invitae Variant Classification Sherloc (09022015). Collection method: clinical testing. Allele origin: germline.
Comment: This sequence change replaces alanine, which is neutral and non-polar, with threonine, which is neutral and polar, at codon 1040 of the TSC2 protein (p.Ala1040Thr). This variant is not present in population databases (gnomAD no frequency). This variant has not been reported in the literature in individuals affected with TSC2-related conditions. Advanced modeling of protein sequence and biophysical properties (such as structural, functional, and spatial information, amino acid conservation, physicochemical variation, residue mobility, and thermodynamic stability) performed at Invitae indicates that this missense variant is not expected to disrupt TSC2 protein function with a negative predictive value of 95%. In summary, the available evidence is currently insufficient to determine the role of this variant in disease. Therefore, it has been classified as a Variant of Uncertain Significance.